The following is an entry in ClinVar:

NM_031372.4(HNRNPDL):c.774+3G>A

Gene: HNRNPDL (heterogeneous nuclear ribonucleoprotein D like; minus strand). Cytogenetic location: 4q21.22.
Variant type: single nucleotide variant.
Coding change: c.774+3G>A on transcript NM_031372.4 (MANE Select); 3 bases into the intron after coding-DNA position 774, G replaced by A.
Molecular consequence: intron variant.
Genome position (GRCh38, 1-based): chr4:82,428,015, C>T on the plus strand (G>A on the coding strand, the complement: HNRNPDL is on the minus strand). VCF-style: chr4-82428015-C-T. GRCh37 (hg19) VCF-style: chr4-83349168-C-T.
Other names: c.774+3G>A (NM_031372.3, NM_001207000.1).
Identifiers: ClinVar variation 2051334 (VCV002051334.5), dbSNP rs758290418, ClinGen allele CA2984894.

ClinVar aggregate classification (germline): Conflicting classifications of pathogenicity. Review status: criteria provided, conflicting classifications (1 of 4 stars). 2 submissions from 2 submitters: Uncertain significance (1); Likely benign (1). Last evaluated 2025-06-30.

Conditions:
Autosomal dominant limb-girdle muscular dystrophy type 1G (LGMDD3). Also called: Limb-girdle muscular dystrophy, type 1G; MUSCULAR DYSTROPHY, LIMB-GIRDLE, AUTOSOMAL DOMINANT 3. Identifiers: Orphanet 55596, MedGen C1836765, MONDO:0012193, OMIM 609115.
HNRNPDL-related disorder. Also called: HNRNPDL-related condition.

Allele frequency attached by ClinVar (database versions not stated): ExAC 0.00002; gnomAD 0.00003; gnomAD exomes 0.00003; TOPMed 0.00003.

Submissions (2):

PreventionGenetics, part of Exact Sciences
Classification: Likely benign for HNRNPDL-related condition. Last evaluated: 2025-06-30. Review status: criteria provided, single submitter. Criteria: ACMG Guidelines, 2015. Collection method: clinical testing. Allele origin: germline.
Comment: This variant is classified as likely benign based on ACMG/AMP sequence variant interpretation guidelines (Richards et al. 2015 PMID: 25741868, with internal and published modifications).

Labcorp Genetics (formerly Invitae), Labcorp
Classification: Uncertain significance for Autosomal dominant limb-girdle muscular dystrophy type 1G. Last evaluated: 2025-05-22. Review status: criteria provided, single submitter. Criteria: Invitae Variant Classification Sherloc (09022015). Collection method: clinical testing. Allele origin: germline.
Comment: This sequence change falls in intron 3 of the HNRNPDL gene. It does not directly change the encoded amino acid sequence of the HNRNPDL protein. It affects a nucleotide within the consensus splice site. This variant is present in population databases (rs758290418, gnomAD 0.007%). This variant has not been reported in the literature in individuals affected with HNRNPDL-related conditions. ClinVar contains an entry for this variant (Variation ID: 2051334). Variants that disrupt the consensus splice site are a relatively common cause of aberrant splicing (PMID: 17576681, 9536098). Algorithms developed to predict the effect of sequence changes on RNA splicing suggest that this variant is not likely to affect RNA splicing. In summary, the available evidence is currently insufficient to determine the role of this variant in disease. Therefore, it has been classified as a Variant of Uncertain Significance.

Literature cited by the submitters: PubMed 17576681 (cited by Labcorp Genetics (formerly Invitae), Labcorp); PubMed 9536098 (cited by Labcorp Genetics (formerly Invitae), Labcorp).